The following is an entry in ClinVar:

NM_001942.4(DSG1):c.2469T>C (p.Pro823=)

Genes: DSG1 (desmoglein 1; plus strand), DSG1-AS1 (DSG1 antisense RNA 1; minus strand), LOC126862720 (MED14-independent group 3 enhancer GRCh37_chr18:28933613-28934812; plus strand). Cytogenetic location: 18q12.1.
Variant type: single nucleotide variant.
Coding change: c.2469T>C on transcript NM_001942.4 (MANE Select); coding-DNA position 2469, T replaced by C.
Protein change: p.Pro823=; no amino-acid change (proline 823 retained).
Molecular consequence: synonymous variant.
Genome position (GRCh38, 1-based): chr18:31,354,665, T>C. VCF-style: chr18-31354665-T-C. GRCh37 (hg19) VCF-style: chr18-28934628-T-C.
Identifiers: ClinVar variation 2648630 (VCV002648630.24), dbSNP rs2071936774, ClinGen allele CA503763484.

ClinVar aggregate classification (germline): Likely benign (1 of 4 stars; one submission).

Allele frequency attached by ClinVar (database versions not stated): gnomAD exomes below 0.00001.
gnomAD v4.1: 4 of 1,614,192 alleles (0.00025%); highest among the groups gnomAD compares: Non-Finnish European, 0.00034%; no homozygotes.

Submission:

CeGaT Center for Human Genetics Tuebingen
Classification: Likely benign. Last evaluated: 2022-05-01. Review status: criteria provided, single submitter. Criteria: CeGaT Center For Human Genetics Tuebingen Variant Classification Criteria Version 2. Collection method: clinical testing. Allele origin: germline. Affected: yes. Observed: 1 variant allele.
Comment: DSG1: PM2:Supporting, BP4, BP7